The following is an entry in ClinVar:

ClinVar aggregate classification (germline): Uncertain significance (1 of 4 stars; one submission).

Conditions:
BBS9-related disorder. Also called: BBS9-related condition.

gnomAD v4.1: 4 of 1,612,454 alleles (0.00025%); no homozygotes.

Submission:

PreventionGenetics, part of Exact Sciences
Classification: Uncertain significance for BBS9-related condition. Last evaluated: 2025-05-17. Review status: criteria provided, single submitter. Criteria: ACMG Guidelines, 2015. Collection method: clinical testing. Allele origin: germline.
Comment: The BBS9 c.1510G>A variant is predicted to result in the amino acid substitution p.Ala504Thr. To our knowledge, this variant has not been reported in the literature or in a large population database (gnomAD), indicating this variant is rare. At this time, the clinical significance of this variant is uncertain due to the absence of conclusive functional and genetic evidence.

NM_198428.3(BBS9):c.1510G>A (p.Ala504Thr)

Gene: BBS9 (Bardet-Biedl syndrome 9; plus strand). Cytogenetic location: 7p14.3.
Variant type: single nucleotide variant.
Coding change: c.1510G>A on transcript NM_198428.3 (MANE Select); coding-DNA position 1510, G replaced by A.
Protein change: p.Ala504Thr; replaces alanine 504 with threonine.
Molecular consequence: missense variant. On other transcripts: non-coding transcript variant (3), intron variant (5).
Genome position (GRCh38, 1-based): chr7:33,351,296, G>A. VCF-style: chr7-33351296-G-A. GRCh37 (hg19) VCF-style: chr7-33390908-G-A.
Other names: c.1510G>A, p.Ala504Thr (NM_001033605.2, NM_001348036.1, NM_001348041.4 and 2 more transcripts); c.1144G>A, p.Ala382Thr (NM_001348037.3, NM_001348045.3, NM_001348046.3); c.1237G>A, p.Ala413Thr (NM_001348038.3); c.1375G>A, p.Ala459Thr (NM_001348042.3); c.1160-1563G>A (NM_001348039.3); c.1433-1563G>A (NM_001033604.2); c.1432+2126G>A (NM_014451.4, NM_001348040.3); c.1067-1563G>A (NM_001348044.3); short protein forms A413T, A382T, A459T, A504T.
Identifiers: ClinVar variation 5000758 (VCV005000758.1).